The following is an entry in ClinVar:

NM_001353812.2(ATP11C):c.2871A>G (p.Leu957=)

Gene: ATP11C (ATPase phospholipid transporting 11C (ATP11C blood group); minus strand). Cytogenetic location: Xq27.1.
Variant type: single nucleotide variant.
Coding change: c.2871A>G on transcript NM_001353812.2 (MANE Select); coding-DNA position 2871, A replaced by G.
Protein change: p.Leu957=; no amino-acid change (leucine 957 retained).
Molecular consequence: synonymous variant.
Genome position (GRCh38, 1-based): chrX:139,745,815, T>C on the plus strand (A>G on the coding strand, the complement: ATP11C is on the minus strand). VCF-style: chrX-139745815-T-C. GRCh37 (hg19) VCF-style: chrX-138827974-T-C.
Other names: c.2880A>G, p.Leu960= (NM_001010986.3, NM_173694.5); c.2871A>G, p.Leu957= (NM_001353810.2, NM_001353811.2).
Identifiers: ClinVar variation 2661533 (VCV002661533.24), dbSNP rs2081670433, ClinGen allele CA518903996.

ClinVar aggregate classification (germline): Likely benign (1 of 4 stars; one submission).

Allele frequency attached by ClinVar (database versions not stated): TOPMed below 0.00001.

Submission:

CeGaT Center for Human Genetics Tuebingen
Classification: Likely benign. Last evaluated: 2022-06-01. Review status: criteria provided, single submitter. Criteria: CeGaT Center For Human Genetics Tuebingen Variant Classification Criteria Version 2. Collection method: clinical testing. Allele origin: germline. Affected: yes. Observed: 1 variant allele.
Comment: ATP11C: PM2:Supporting, BP4, BP7